The following is an entry in ClinVar:

NM_000392.5(ABCC2):c.3100del (p.Gln1034fs)

Gene: ABCC2 (ATP binding cassette subfamily C member 2; plus strand). Cytogenetic location: 10q24.2.
Variant type: Deletion.
Coding change: c.3100del on transcript NM_000392.5 (MANE Select); coding-DNA position 3100, one base deleted (C; older notation c.3100delC).
Protein change: p.Gln1034fs; shifts the reading frame from glutamine 1034.
Molecular consequence: frameshift variant.
Genome position (GRCh38, 1-based): chr10:99,831,827, C deleted; the last of 3 consecutive C bases (chr10:99,831,825-99,831,827); deleting any one gives the same sequence. VCF-style (leftmost placement, unchanged base first): chr10-99831824-GC-G. GRCh37 (hg19) VCF-style: chr10-101591581-GC-G.
Other names: short protein forms Q1034fs.
Identifiers: ClinVar variation 2856845 (VCV002856845.3), dbSNP rs2493012327, ClinGen allele CA2610496927.

ClinVar aggregate classification (germline): Pathogenic (1 of 4 stars; one submission).

Submission:

Labcorp Genetics (formerly Invitae), Labcorp
Classification: Pathogenic. Last evaluated: 2023-04-16. Review status: criteria provided, single submitter. Criteria: Invitae Variant Classification Sherloc (09022015). Collection method: clinical testing. Allele origin: germline.
Comment: This sequence change creates a premature translational stop signal (p.Gln1034Lysfs*7) in the ABCC2 gene. It is expected to result in an absent or disrupted protein product. Loss-of-function variants in ABCC2 are known to be pathogenic (PMID: 9185779, 16549534, 16952291). This variant is not present in population databases (gnomAD no frequency). This variant has not been reported in the literature in individuals affected with ABCC2-related conditions. For these reasons, this variant has been classified as Pathogenic.

Literature cited by the submitters: PubMed 9185779; PubMed 16549534; PubMed 16952291.